The following is an entry in ClinVar:

NM_024589.3(ROGDI):c.148T>C (p.Ser50Pro)

Gene: ROGDI (rogdi atypical leucine zipper; minus strand). Cytogenetic location: 16p13.3.
Variant type: single nucleotide variant.
Coding change: c.148T>C on transcript NM_024589.3 (MANE Select); coding-DNA position 148, T replaced by C.
Protein change: p.Ser50Pro; replaces serine 50 with proline.
Molecular consequence: missense variant. On other transcripts: non-coding transcript variant (1).
Genome position (GRCh38, 1-based): chr16:4,801,555, A>G on the plus strand (T>C on the coding strand, the complement: ROGDI is on the minus strand). VCF-style: chr16-4801555-A-G. GRCh37 (hg19) VCF-style: chr16-4851556-A-G.
Other names: short protein forms S50P.
Identifiers: ClinVar variation 2065293 (VCV002065293.4), dbSNP rs2505729263, ClinGen allele CA394655382.

ClinVar aggregate classification (germline): Uncertain significance (1 of 4 stars; one submission).

Conditions:
Amelocerebrohypohidrotic syndrome (KTZS). Also called: EPILEPSY AND YELLOW TEETH; EPILEPSY, DEMENTIA, AND AMELOGENESIS IMPERFECTA; KOHLSCHUTTER SYNDROME; Kohlschutter's syndrome. Identifiers: Orphanet 1946, MedGen C0406740, MONDO:0009185, OMIM 226750.

Allele frequency attached by ClinVar (database versions not stated): gnomAD exomes below 0.00001.
gnomAD v4.1: 1 of 1,605,652 alleles (0.000062%); highest among the groups gnomAD compares: South Asian, 0.0011%; no homozygotes.

Submission:

Labcorp Genetics (formerly Invitae), Labcorp
Classification: Uncertain significance for Amelocerebrohypohidrotic syndrome. Last evaluated: 2022-06-29. Review status: criteria provided, single submitter. Criteria: Invitae Variant Classification Sherloc (09022015). Collection method: clinical testing. Allele origin: germline.
Comment: Algorithms developed to predict the effect of missense changes on protein structure and function output the following: SIFT: "Tolerated"; PolyPhen-2: "Benign"; Align-GVGD: "Class C0". The proline amino acid residue is found in multiple mammalian species, which suggests that this missense change does not adversely affect protein function. This variant has not been reported in the literature in individuals affected with ROGDI-related conditions. This variant is not present in population databases (gnomAD no frequency). This sequence change replaces serine, which is neutral and polar, with proline, which is neutral and non-polar, at codon 50 of the ROGDI protein (p.Ser50Pro). In summary, the available evidence is currently insufficient to determine the role of this variant in disease. Therefore, it has been classified as a Variant of Uncertain Significance.